The following is an entry in ClinVar:

NM_177438.3(DICER1):c.5258A>G (p.Asp1753Gly)

Gene: DICER1 (dicer 1, ribonuclease III; minus strand). Cytogenetic location: 14q32.13.
Variant type: single nucleotide variant.
Coding change: c.5258A>G on transcript NM_177438.3 (MANE Select); coding-DNA position 5258, A replaced by G.
Protein change: p.Asp1753Gly; replaces aspartic acid 1753 with glycine.
Molecular consequence: missense variant.
Genome position (GRCh38, 1-based): chr14:95,093,994, T>C on the plus strand (A>G on the coding strand, the complement: DICER1 is on the minus strand). VCF-style: chr14-95093994-T-C. GRCh37 (hg19) VCF-style: chr14-95560331-T-C.
Other names: c.5258A>G (NM_177438.2); c.5258A>G, p.Asp1753Gly (NM_001195573.1, NM_001271282.3, NM_001291628.2 and 1 more transcripts); short protein forms D1753G.
Identifiers: ClinVar variation 1403116 (VCV001403116.8), dbSNP rs2139812331, ClinGen allele CA390865103.

ClinVar aggregate classification (germline): Uncertain significance. Review status: criteria provided, multiple submitters, no conflicts (2 of 4 stars). 2 submissions from 2 submitters: Uncertain significance (2). Last evaluated 2023-08-28.

Conditions:
Hereditary cancer-predisposing syndrome. Also called: Neoplastic Syndromes, Hereditary; Hereditary neoplastic syndrome; Hereditary Cancer Syndrome; Tumor predisposition. Identifiers: Orphanet 140162, MedGen C0027672, MeSH D009386, MONDO:0015356.
DICER1-related tumor predisposition. Also called: DICER1 syndrome; DICER1-related pleuropulmonary blastoma cancer predisposition syndrome. Identifiers: Orphanet 284343, MedGen C3839822, MONDO:0100216.

Submissions (2):

Ambry Genetics
Classification: Uncertain significance for Hereditary cancer-predisposing syndrome. Last evaluated: 2023-08-28. Review status: criteria provided, single submitter. Criteria: Ambry Variant Classification Scheme 2023. Collection method: clinical testing. Allele origin: germline.
Comment: The p.D1753G variant (also known as c.5258A>G), located in coding exon 23 of the DICER1 gene, results from an A to G substitution at nucleotide position 5258. The aspartic acid at codon 1753 is replaced by glycine, an amino acid with similar properties. This amino acid position is conserved. In addition, this alteration is predicted to be deleterious by in silico analysis. Since supporting evidence is limited at this time, the clinical significance of this alteration remains unclear.

Labcorp Genetics (formerly Invitae), Labcorp
Classification: Uncertain significance for DICER1-related tumor predisposition. Last evaluated: 2021-08-02. Review status: criteria provided, single submitter. Criteria: Invitae Variant Classification Sherloc (09022015). Collection method: clinical testing. Allele origin: germline.
Comment: In summary, the available evidence is currently insufficient to determine the role of this variant in disease. Therefore, it has been classified as a Variant of Uncertain Significance. Algorithms developed to predict the effect of missense changes on protein structure and function (SIFT, PolyPhen-2, Align-GVGD) all suggest that this variant is likely to be tolerated. This variant has not been reported in the literature in individuals affected with DICER1-related conditions. This variant is not present in population databases (ExAC no frequency). This sequence change replaces aspartic acid with glycine at codon 1753 of the DICER1 protein (p.Asp1753Gly). The aspartic acid residue is highly conserved and there is a moderate physicochemical difference between aspartic acid and glycine.